The following is an entry in ClinVar:

NM_013276.4(SHPK):c.1073C>T (p.Ala358Val)

Gene: SHPK (sedoheptulokinase; minus strand). Cytogenetic location: 17p13.2.
Variant type: single nucleotide variant.
Coding change: c.1073C>T on transcript NM_013276.4 (MANE Select); coding-DNA position 1073, C replaced by T.
Protein change: p.Ala358Val; replaces alanine 358 with valine.
Molecular consequence: missense variant.
Genome position (GRCh38, 1-based): chr17:3,610,924, G>A on the plus strand (C>T on the coding strand, the complement: SHPK is on the minus strand). VCF-style: chr17-3610924-G-A. GRCh37 (hg19) VCF-style: chr17-3514218-G-A.
Other names: short protein forms A358V.
Identifiers: ClinVar variation 1925902 (VCV001925902.5), dbSNP rs2507564529, ClinGen allele CA397698704.

ClinVar aggregate classification (germline): Uncertain significance (1 of 4 stars; one submission).

Submission:

Labcorp Genetics (formerly Invitae), Labcorp
Classification: Uncertain significance. Last evaluated: 2024-10-22. Review status: criteria provided, single submitter. Criteria: Invitae Variant Classification Sherloc (09022015). Collection method: clinical testing. Allele origin: germline.
Comment: This sequence change replaces alanine, which is neutral and non-polar, with valine, which is neutral and non-polar, at codon 358 of the SHPK protein (p.Ala358Val). This variant is not present in population databases (gnomAD no frequency). This variant has not been reported in the literature in individuals affected with SHPK-related conditions. ClinVar contains an entry for this variant (Variation ID: 1925902). An algorithm developed to predict the effect of missense changes on protein structure and function (PolyPhen-2) suggests that this variant is likely to be disruptive. In summary, the available evidence is currently insufficient to determine the role of this variant in disease. Therefore, it has been classified as a Variant of Uncertain Significance.